The following is an entry in ClinVar:

ClinVar aggregate classification (germline): Pathogenic (1 of 4 stars; one submission).

Conditions:
Fucosidosis. Also called: ALPHA-L-FUCOSIDASE DEFICIENCY. Identifiers: Orphanet 349, MedGen C0016788, MONDO:0009254, OMIM 230000.

Submission:

Labcorp Genetics (formerly Invitae), Labcorp
Classification: Pathogenic for Fucosidosis. Last evaluated: 2025-12-22. Review status: criteria provided, single submitter. Criteria: Invitae Variant Classification Sherloc (09022015). Collection method: clinical testing. Allele origin: germline.
Comment: This sequence change creates a premature translational stop signal (p.Tyr179Leufs*18) in the FUCA1 gene. It is expected to result in an absent or disrupted protein product. Loss-of-function variants in FUCA1 are known to be pathogenic (PMID: 10094192). This variant is not present in population databases (gnomAD no frequency). This variant has not been reported in the literature in individuals affected with FUCA1-related conditions. For these reasons, this variant has been classified as Pathogenic.

Literature cited by the submitters: PubMed 10094192.

NM_000147.5(FUCA1):c.535dup (p.Tyr179fs)

Gene: FUCA1 (alpha-L-fucosidase 1; minus strand). Cytogenetic location: 1p36.11.
Variant type: Duplication.
Coding change: c.535dup on transcript NM_000147.5 (MANE Select); coding-DNA position 535, one base duplicated (T; older notation c.535dupT).
Protein change: p.Tyr179fs; shifts the reading frame from tyrosine 179.
Molecular consequence: frameshift variant. On other transcripts: non-coding transcript variant (4).
Genome position (GRCh38, 1-based): chr1:23,863,261, A duplicated on the plus strand (T on the coding strand, the reverse complement: FUCA1 is on the minus strand). VCF-style (leftmost placement, unchanged base first): chr1-23863260-T-TA. GRCh37 (hg19) VCF-style: chr1-24189750-T-TA.
Other names: short protein forms Y179fs.
Identifiers: ClinVar variation 4707354 (VCV004707354.1).